The following is an entry in ClinVar:

NM_152381.6(XIRP2):c.3954C>G (p.Thr1318=)

Gene: XIRP2 (xin actin binding repeat containing 2; plus strand). Cytogenetic location: 2q24.3.
Variant type: single nucleotide variant.
Coding change: c.3954C>G on transcript NM_152381.6 (MANE Select); coding-DNA position 3954, C replaced by G.
Protein change: p.Thr1318=; no amino-acid change (threonine 1318 retained).
Molecular consequence: synonymous variant. On other transcripts: intron variant (3).
Genome position (GRCh38, 1-based): chr2:167,245,346, C>G. VCF-style: chr2-167245346-C-G. GRCh37 (hg19) VCF-style: chr2-168101856-C-G.
Other names: c.3288C>G, p.Thr1096= (NM_001199144.2); c.1275+3436C>G (NM_001199143.2); c.1176+3436C>G (NM_001079810.4); c.510+3436C>G (NM_001199145.2).
Identifiers: ClinVar variation 713052 (VCV000713052.28), dbSNP rs149234026, ClinGen allele CA1946954.

ClinVar aggregate classification (germline): Benign/Likely benign. Review status: criteria provided, multiple submitters, no conflicts (2 of 4 stars). 3 submissions from 3 submitters: Benign (2); Likely benign (1). Last evaluated 2023-03-01.

Allele frequency attached by ClinVar (database versions not stated): 1000 Genomes Project 30x 0.00172; gnomAD 0.00179 and 0.00181; 1000 Genomes Project 0.00180; ESP Exome Variant Server 0.00185; TOPMed 0.00206; ExAC 0.00258; gnomAD exomes 0.00264.
gnomAD v4.1: 3,603 of 1,613,464 alleles (0.22%); highest among the groups gnomAD compares: Middle Eastern, 1.2%; 19 homozygotes.

Submissions (3):

CeGaT Center for Human Genetics Tuebingen
Classification: Likely benign. Last evaluated: 2023-03-01. Review status: criteria provided, single submitter. Criteria: CeGaT Center For Human Genetics Tuebingen Variant Classification Criteria Version 2. Collection method: clinical testing. Allele origin: germline. Affected: yes. Observed: 1 variant allele.
Comment: XIRP2: BP4, BP7, BS2

Labcorp Genetics (formerly Invitae), Labcorp
Classification: Benign. Last evaluated: 2018-10-22. Review status: criteria provided, single submitter. Criteria: Invitae Variant Classification Sherloc (09022015). Collection method: clinical testing. Allele origin: germline.

Breakthrough Genomics
Classification: Benign. Review status: criteria provided, single submitter. Criteria: ACMG Guidelines, 2015. Collection method: not provided. Allele origin: germline. Inheritance: Unknown mechanism. Affected: yes.